The following is an entry in ClinVar:

ClinVar aggregate classification (germline): Uncertain significance (1 of 4 stars; one submission).

Conditions:
Methylcobalamin deficiency type cblG (HMAG). Also called: Functional methionine synthase deficiency type cblG; HOMOCYSTINURIA-MEGALOBLASTIC ANEMIA, cblG COMPLEMENTATION TYPE; HOMOCYSTINURIA-MEGALOBLASTIC ANEMIA DUE TO DEFECT IN COBALAMIN METABOLISM, cblG COMPLEMENTATION TYPE; HOMOCYSTINURIA-MEGALOBLASTIC ANEMIA, cblG TYPE. Identifiers: Orphanet 2170, Orphanet 622, MedGen C1855128, MONDO:0009609, OMIM 250940.

gnomAD v4.1: 3 of 1,613,634 alleles (0.00019%); highest among the groups gnomAD compares: Non-Finnish European, 0.00017%; no homozygotes.

Submission:

Labcorp Genetics (formerly Invitae), Labcorp
Classification: Uncertain significance for Methylcobalamin deficiency type cblG. Last evaluated: 2024-11-03. Review status: criteria provided, single submitter. Criteria: Invitae Variant Classification Sherloc (09022015). Collection method: clinical testing. Allele origin: germline.
Comment: This sequence change replaces glycine, which is neutral and non-polar, with aspartic acid, which is acidic and polar, at codon 763 of the MTR protein (p.Gly763Asp). This variant is present in population databases (no rsID available, gnomAD 0.01%). This variant has not been reported in the literature in individuals affected with MTR-related conditions. Invitae Evidence Modeling of protein sequence and biophysical properties (such as structural, functional, and spatial information, amino acid conservation, physicochemical variation, residue mobility, and thermodynamic stability) indicates that this missense variant is not expected to disrupt MTR protein function with a negative predictive value of 95%. In summary, the available evidence is currently insufficient to determine the role of this variant in disease. Therefore, it has been classified as a Variant of Uncertain Significance.

NM_000254.3(MTR):c.2288G>A (p.Gly763Asp)

Gene: MTR (5-methyltetrahydrofolate-homocysteine methyltransferase; plus strand). Cytogenetic location: 1q43.
Variant type: single nucleotide variant.
Coding change: c.2288G>A on transcript NM_000254.3 (MANE Select); coding-DNA position 2288, G replaced by A.
Protein change: p.Gly763Asp; replaces glycine 763 with aspartic acid.
Molecular consequence: missense variant.
Genome position (GRCh38, 1-based): chr1:236,862,327, G>A. VCF-style: chr1-236862327-G-A. GRCh37 (hg19) VCF-style: chr1-237025627-G-A.
Other names: c.2135G>A, p.Gly712Asp (NM_001291939.1); c.1067G>A, p.Gly356Asp (NM_001291940.2); c.2288G>A, p.Gly763Asp (NM_001410942.1); short protein forms G712D, G356D, G763D.
Identifiers: ClinVar variation 3655215 (VCV003655215.2).
Genomic context (GRCh38, chr1:236,862,327, plus strand): 5'-CTGTTGGCCACCTTATCCCTTTCATGGAAAAAGAAAGAGAAGAAACCAGAGTGCTTAACG[G>A]CACAGTAGAAGAAGAGGCAAGTCATTTTGTTCAGGCCTATGGGCCTTTAGTGGGTTGACC-3'
Protein context (NP_000245.2, residues 753-773): KEREETRVLN[Gly763Asp]TVEEEDPYQG